The following is an entry in ClinVar:

ClinVar aggregate classification (germline): Uncertain significance. Review status: criteria provided, multiple submitters, no conflicts (2 of 4 stars). 2 submissions from 2 submitters: Uncertain significance (2). Last evaluated 2025-10-08.

Conditions:
Arrhythmogenic right ventricular dysplasia 13. Also called: Arrhythmogenic right ventricular dysplasia, familial, 13; ARRHYTHMOGENIC RIGHT VENTRICULAR CARDIOMYOPATHY 13. Identifiers: MedGen C3810138, MONDO:0000908, OMIM 615616.

Allele frequency attached by ClinVar (database versions not stated): TOPMed 0.00002; gnomAD exomes 0.00001.
gnomAD v4.1: 4 of 1,613,616 alleles (0.00025%); highest among the groups gnomAD compares: African/African-American, 0.0013%; no homozygotes.

Submissions (2):

Labcorp Genetics (formerly Invitae), Labcorp
Classification: Uncertain significance for Arrhythmogenic right ventricular dysplasia 13. Last evaluated: 2025-10-08. Review status: criteria provided, single submitter. Criteria: Invitae Variant Classification Sherloc (09022015). Collection method: clinical testing. Allele origin: germline.
Comment: This sequence change replaces serine, which is neutral and polar, with proline, which is neutral and non-polar, at codon 799 of the CTNNA3 protein (p.Ser799Pro). This variant is not present in population databases (gnomAD no frequency). This variant has not been reported in the literature in individuals affected with CTNNA3-related conditions. ClinVar contains an entry for this variant (Variation ID: 1790618). Invitae Evidence Modeling of protein sequence and biophysical properties (such as structural, functional, and spatial information, amino acid conservation, physicochemical variation, residue mobility, and thermodynamic stability) indicates that this missense variant is expected to disrupt CTNNA3 protein function with a positive predictive value of 80%. In summary, the available evidence is currently insufficient to determine the role of this variant in disease. Therefore, it has been classified as a Variant of Uncertain Significance.

Ambry Genetics
Classification: Uncertain significance. Last evaluated: 2022-10-03. Review status: criteria provided, single submitter. Criteria: Ambry Variant Classification Scheme 2023. Collection method: clinical testing. Allele origin: germline.
Comment: The p.S799P variant (also known as c.2395T>C), located in coding exon 16 of the CTNNA3 gene, results from a T to C substitution at nucleotide position 2395. The serine at codon 799 is replaced by proline, an amino acid with similar properties. This amino acid position is conserved. In addition, the in silico prediction for this alteration is inconclusive. Since supporting evidence is limited at this time, the clinical significance of this alteration remains unclear.

NM_013266.4(CTNNA3):c.2395T>C (p.Ser799Pro)

Gene: CTNNA3 (catenin alpha 3; minus strand). Cytogenetic location: 10q21.3.
Variant type: single nucleotide variant.
Coding change: c.2395T>C on transcript NM_013266.4 (MANE Select); coding-DNA position 2395, T replaced by C.
Protein change: p.Ser799Pro; replaces serine 799 with proline.
Molecular consequence: missense variant.
Genome position (GRCh38, 1-based): chr10:65,966,617, A>G on the plus strand (T>C on the coding strand, the complement: CTNNA3 is on the minus strand). VCF-style: chr10-65966617-A-G. GRCh37 (hg19) VCF-style: chr10-67726375-A-G.
Other names: c.2395T>C, p.Ser799Pro (NM_001127384.3); short protein forms S799P.
Identifiers: ClinVar variation 1790618 (VCV001790618.4), dbSNP rs2077971764, ClinGen allele CA377089883.